The following is an entry in ClinVar:

NM_001370466.1(NOD2):c.2216A>G (p.His739Arg)

Gene: NOD2 (nucleotide binding oligomerization domain containing 2; plus strand). Cytogenetic location: 16q12.1.
Variant type: single nucleotide variant.
Coding change: c.2216A>G on transcript NM_001370466.1 (MANE Select); coding-DNA position 2216, A replaced by G.
Protein change: p.His739Arg; replaces histidine 739 with arginine.
Molecular consequence: missense variant. On other transcripts: non-coding transcript variant (1).
Genome position (GRCh38, 1-based): chr16:50,712,208, A>G. VCF-style: chr16-50712208-A-G. GRCh37 (hg19) VCF-style: chr16-50746119-A-G.
Other names: c.2216A>G, p.His739Arg (NM_001293557.2); c.2297A>G, p.His766Arg (NM_022162.3); short protein forms H739R, H766R.
Identifiers: ClinVar variation 3750788 (VCV003750788.2).
Genomic context (GRCh38, chr16:50,712,208, plus strand): 5'-TGTACGAGATGCAGGAGGAGCGGCTGGCTCGGAAGGCTGCACGTGGCCTGAATGTTGGGC[A>G]CCTCAAGTTGACATTTTGCAGTGTGGGCCCCACTGAGTGTGCTGCCCTGGCCTTTGTGCT-3'
Protein context (NP_001357395.1, residues 729-749): RKAARGLNVG[His739Arg]LKLTFCSVGP

ClinVar aggregate classification (germline): Uncertain significance (1 of 4 stars; one submission).

Conditions:
Regional enteritis. Also called: Enteritis, Granulomatous. Identifiers: MedGen C0678202, MeSH D003424.
Blau syndrome (BLAUS). Also called: GRANULOMATOSIS, FAMILIAL JUVENILE SYSTEMIC; GRANULOMATOSIS, FAMILIAL, BLAU TYPE; GRANULOMATOUS INFLAMMATORY ARTHRITIS, DERMATITIS, AND UVEITIS, FAMILIAL; JABS SYNDROME; ARTHROCUTANEOUVEAL GRANULOMATOSIS. Identifiers: Orphanet 90340, MedGen C5201146, MONDO:0008523, OMIM 186580.

gnomAD v4.1: 3 of 1,613,772 alleles (0.00019%); highest among the groups gnomAD compares: Non-Finnish European, 0.00025%; no homozygotes.

Submission:

Labcorp Genetics (formerly Invitae), Labcorp
Classification: Uncertain significance for Regional enteritis; Blau syndrome. Last evaluated: 2024-03-12. Review status: criteria provided, single submitter. Criteria: Invitae Variant Classification Sherloc (09022015). Collection method: clinical testing. Allele origin: germline.
Comment: This sequence change replaces histidine, which is basic and polar, with arginine, which is basic and polar, at codon 766 of the NOD2 protein (p.His766Arg). This variant is not present in population databases (gnomAD no frequency). This variant has not been reported in the literature in individuals affected with NOD2-related conditions. Advanced modeling of protein sequence and biophysical properties (such as structural, functional, and spatial information, amino acid conservation, physicochemical variation, residue mobility, and thermodynamic stability) performed at Invitae indicates that this missense variant is not expected to disrupt NOD2 protein function with a negative predictive value of 95%. In summary, the available evidence is currently insufficient to determine the role of this variant in disease. Therefore, it has been classified as a Variant of Uncertain Significance.